The following is an entry in ClinVar:

NM_000264.5(PTCH1):c.1122G>T (p.Glu374Asp)

Gene: PTCH1 (patched 1; minus strand). Cytogenetic location: 9q22.32.
Variant type: single nucleotide variant.
Coding change: c.1122G>T on transcript NM_000264.5 (MANE Select); coding-DNA position 1122, G replaced by T.
Protein change: p.Glu374Asp; replaces glutamic acid 374 with aspartic acid.
Molecular consequence: missense variant. On other transcripts: non-coding transcript variant (1).
Genome position (GRCh38, 1-based): chr9:95,479,093, C>A on the plus strand (G>T on the coding strand, the complement: PTCH1 is on the minus strand). VCF-style: chr9-95479093-C-A. GRCh37 (hg19) VCF-style: chr9-98241375-C-A.
Other names: c.924G>T, p.Glu308Asp (NM_001083602.3); c.1119G>T, p.Glu373Asp (NM_001083603.3); c.669G>T, p.Glu223Asp (NM_001083604.3, NM_001083605.3, NM_001083606.3 and 1 more transcripts); c.1122G>T, p.Glu374Asp (NM_001354918.2); short protein forms E223D, E373D, E374D, E308D.
Identifiers: ClinVar variation 2711176 (VCV002711176.3), dbSNP rs2538217456, ClinGen allele CA374119418.

ClinVar aggregate classification (germline): Uncertain significance (1 of 4 stars; one submission).

Conditions:
Gorlin syndrome. Also called: Nevoid Basal Cell Carcinoma Syndrome; Basal cell nevus syndrome. Identifiers: Orphanet 377, MedGen C0004779, MONDO:0007187.

Submission:

Labcorp Genetics (formerly Invitae), Labcorp
Classification: Uncertain significance for Gorlin syndrome. Last evaluated: 2024-01-24. Review status: criteria provided, single submitter. Criteria: Invitae Variant Classification Sherloc (09022015). Collection method: clinical testing. Allele origin: germline.
Comment: This sequence change replaces glutamic acid, which is acidic and polar, with aspartic acid, which is acidic and polar, at codon 374 of the PTCH1 protein (p.Glu374Asp). This variant is not present in population databases (gnomAD no frequency). This variant has not been reported in the literature in individuals affected with PTCH1-related conditions. Advanced modeling of protein sequence and biophysical properties (such as structural, functional, and spatial information, amino acid conservation, physicochemical variation, residue mobility, and thermodynamic stability) performed at Invitae indicates that this missense variant is not expected to disrupt PTCH1 protein function with a negative predictive value of 95%. In summary, the available evidence is currently insufficient to determine the role of this variant in disease. Therefore, it has been classified as a Variant of Uncertain Significance.